The following is an entry in ClinVar:

NM_025114.4(CEP290):c.7393_7395dup (p.Glu2465_Phe2466insGlu)

Genes: CEP290 (centrosomal protein 290; minus strand), RLIG1 (RNA 5'-phosphate and 3'-OH ligase 1; plus strand). Cytogenetic location: 12q21.32.
Variant type: Duplication.
Coding change: c.7393_7395dup on transcript NM_025114.4 (MANE Select); coding-DNA positions 7393 to 7395, 3 bases duplicated (GAG; older notation c.7393_7395dupGAG).
Protein change: p.Glu2465_Phe2466insGlu.
Molecular consequence: inframe insertion. On other transcripts: 3 prime UTR variant (1).
Genome position (GRCh38, 1-based): chr12:88,049,229-88,049,231, CTC duplicated on the plus strand (GAG on the coding strand, the reverse complement: CEP290 is on the minus strand). VCF-style (leftmost placement, unchanged base first): chr12-88049228-A-ACTC. GRCh37 (hg19) VCF-style: chr12-88443005-A-ACTC.
Other names: c.*807_*809dup (NM_001009894.3).
Identifiers: ClinVar variation 2934612 (VCV002934612.3), dbSNP rs2499336386, ClinGen allele CA2740092429.

ClinVar aggregate classification (germline): Uncertain significance (1 of 4 stars; one submission).

Conditions:
Joubert syndrome. Also called: CEREBELLOPARENCHYMAL DISORDER IV; JOUBERT-BOLTSHAUSER SYNDROME; Familial aplasia of the vermis. Identifiers: Orphanet 475, MedGen C5979921, MONDO:0018772.
Nephronophthisis. Also called: Juvenile Nephronophthisis. Identifiers: Orphanet 655, MedGen C0687120, MONDO:0019005, HP:0000090.
Meckel-Gruber syndrome. Also called: DYSENCEPHALIA SPLANCHNOCYSTICA; GRUBER SYNDROME; Dysencephalia splachnocystica. Identifiers: Orphanet 564, MedGen C0265215, MONDO:0018921.

Submission:

Labcorp Genetics (formerly Invitae), Labcorp
Classification: Uncertain significance for Joubert syndrome; Meckel-Gruber syndrome; Nephronophthisis. Last evaluated: 2023-08-23. Review status: criteria provided, single submitter. Criteria: Invitae Variant Classification Sherloc (09022015). Collection method: clinical testing. Allele origin: germline.
Comment: This variant is not present in population databases (gnomAD no frequency). This variant has not been reported in the literature in individuals affected with CEP290-related conditions. Experimental studies and prediction algorithms are not available or were not evaluated, and the functional significance of this variant is currently unknown. In summary, the available evidence is currently insufficient to determine the role of this variant in disease. Therefore, it has been classified as a Variant of Uncertain Significance. This variant, c.7393_7395dup, results in the insertion of 1 amino acid(s) of the CEP290 protein (p.Glu2465dup), but otherwise preserves the integrity of the reading frame.